The following is an entry in ClinVar:

ClinVar aggregate classification (germline): Uncertain significance. Review status: criteria provided, multiple submitters, no conflicts (2 of 4 stars). 4 submissions from 4 submitters: Uncertain significance (4). Last evaluated 2025-03-20.

Conditions:
Inborn genetic diseases. Identifiers: MedGen C0950123, MeSH D030342.

Allele frequency attached by ClinVar (database versions not stated): TOPMed 0.00003; ESP Exome Variant Server 0.00023; ExAC 0.00002.
gnomAD v4.1: 33 of 1,612,798 alleles (0.002%); highest among the groups gnomAD compares: African/African-American, 0.0093%; no homozygotes.

Submissions (4):

GeneDx
Classification: Uncertain significance. Last evaluated: 2025-03-20. Review status: criteria provided, single submitter. Criteria: GeneDx Variant Classification Process June 2021. Collection method: clinical testing. Allele origin: germline. Affected: yes.
Comment: Not observed at significant frequency in large population cohorts (gnomAD); In silico analysis indicates that this missense variant does not alter protein structure/function; Has not been previously published as pathogenic or benign to our knowledge

Revvity Omics, Revvity
Classification: Uncertain significance. Last evaluated: 2025-02-06. Review status: criteria provided, single submitter. Criteria: ACMG Guidelines, 2015. Collection method: clinical testing. Allele origin: germline.

Ambry Genetics
Classification: Uncertain significance for Inborn genetic diseases. Last evaluated: 2024-10-07. Review status: criteria provided, single submitter. Criteria: Ambry Variant Classification Scheme 2023. Collection method: clinical testing. Allele origin: germline.

Labcorp Genetics (formerly Invitae), Labcorp
Classification: Uncertain significance. Last evaluated: 2022-08-12. Review status: criteria provided, single submitter. Criteria: Invitae Variant Classification Sherloc (09022015). Collection method: clinical testing. Allele origin: germline.
Comment: This sequence change replaces glutamine, which is neutral and polar, with histidine, which is basic and polar, at codon 188 of the ADGRG1 protein (p.Gln188His). This variant is present in population databases (rs369147371, gnomAD 0.01%). This variant has not been reported in the literature in individuals affected with ADGRG1-related conditions. Advanced modeling of protein sequence and biophysical properties (such as structural, functional, and spatial information, amino acid conservation, physicochemical variation, residue mobility, and thermodynamic stability) performed at Invitae indicates that this missense variant is not expected to disrupt ADGRG1 protein function. In summary, the available evidence is currently insufficient to determine the role of this variant in disease. Therefore, it has been classified as a Variant of Uncertain Significance.

NM_201525.4(ADGRG1):c.564G>T (p.Gln188His)

Gene: ADGRG1 (adhesion G protein-coupled receptor G1; plus strand). Cytogenetic location: 16q21.
Variant type: single nucleotide variant.
Coding change: c.564G>T on transcript NM_201525.4 (MANE Select); coding-DNA position 564, G replaced by T.
Protein change: p.Gln188His; replaces glutamine 188 with histidine.
Molecular consequence: missense variant. On other transcripts: intron variant (1).
Genome position (GRCh38, 1-based): chr16:57,653,279, G>T. VCF-style: chr16-57653279-G-T. GRCh37 (hg19) VCF-style: chr16-57687191-G-T.
Other names: c.564G>T, p.Gln188His (NM_001145770.3, NM_001145771.3, NM_001145772.3 and 16 more transcripts); c.579G>T, p.Gln193His (NM_001145773.3, NM_001370433.1); c.39G>T, p.Gln13His (NM_001290143.2, NM_001290144.2, NM_001370451.1 and 2 more transcripts); c.408G>T, p.Gln136His (NM_001370442.1); c.111-707G>T (NM_001290142.2); c.564G>T (NM_005682.5); short protein forms Q188H, Q136H, Q13H, Q193H.
Identifiers: ClinVar variation 2187719 (VCV002187719.4), dbSNP rs369147371, ClinGen allele CA8078422.